The following is an entry in ClinVar:

ClinVar aggregate classification (germline): Uncertain significance (1 of 4 stars; one submission).

Conditions:
Familial hypobetalipoproteinemia 1. Also called: APOB-Related Familial Hypobetalipoproteinemia; Hypobetalipoproteinemia, normotriglyceridemic; Acanthocytosis with hypobetalipoproteinemia. Identifiers: MedGen C4551990, MONDO:0014252, OMIM 615558.
Hypercholesterolemia, autosomal dominant, type B (FHCL2). Also called: Familial Hypercholesterolemia Type B; APOLIPOPROTEIN B-100, FAMILIAL DEFECTIVE; APOLIPOPROTEIN B-100, FAMILIAL LIGAND-DEFECTIVE; HYPERCHOLESTEROLEMIA, FAMILIAL, DUE TO LIGAND-DEFECTIVE APOLIPOPROTEIN B; Hyperlipoproteinemia Type IIb; Familial hypercholesterolemia 2. Identifiers: MedGen C1704417, MONDO:0007751, OMIM 144010.

Submission:

Labcorp Genetics (formerly Invitae), Labcorp
Classification: Uncertain significance for Familial hypobetalipoproteinemia 1; Hypercholesterolemia, autosomal dominant, type B. Last evaluated: 2024-11-04. Review status: criteria provided, single submitter. Criteria: Invitae Variant Classification Sherloc (09022015). Collection method: clinical testing. Allele origin: germline.
Comment: This variant, c.10641_10646del, results in the deletion of 2 amino acid(s) of the APOB protein (p.Lys3547_Glu3548del), but otherwise preserves the integrity of the reading frame. This variant is not present in population databases (gnomAD no frequency). This variant has not been reported in the literature in individuals affected with APOB-related conditions. In summary, the available evidence is currently insufficient to determine the role of this variant in disease. Therefore, it has been classified as a Variant of Uncertain Significance.

NM_000384.3(APOB):c.10641_10646del (p.Lys3547_Glu3548del)

Gene: APOB (apolipoprotein B; minus strand). Cytogenetic location: 2p24.1.
Variant type: Deletion.
Coding change: c.10641_10646del on transcript NM_000384.3 (MANE Select); coding-DNA positions 10641 to 10646, 6 bases deleted (AGAAAA; older notation c.10641_10646delAGAAAA).
Protein change: p.Lys3547_Glu3548del.
Molecular consequence: inframe deletion.
Genome position (GRCh38, 1-based): chr2:21,006,222-21,006,227, TTTTCT deleted on the plus strand (AGAAAA on the coding strand, the reverse complement: APOB is on the minus strand); deleting any 6 consecutive bases within chr2:21,006,222-21,006,230 gives the same sequence; the c. name uses the placement nearest the transcript's 3' end. VCF-style (leftmost placement, unchanged base first): chr2-21006221-ATTTTCT-A. GRCh37 (hg19) VCF-style: chr2-21229093-ATTTTCT-A.
Identifiers: ClinVar variation 3759697 (VCV003759697.2).